The following is an entry in ClinVar:

NM_017534.6(MYH2):c.2071G>A (p.Glu691Lys)

Genes: MYHAS (myosin heavy chain gene cluster antisense RNA; plus strand), MYH2 (myosin heavy chain 2; minus strand). Cytogenetic location: 17p13.1.
Variant type: single nucleotide variant.
Coding change: c.2071G>A on transcript NM_017534.6 (MANE Select); coding-DNA position 2071, G replaced by A.
Protein change: p.Glu691Lys; replaces glutamic acid 691 with lysine.
Molecular consequence: missense variant.
Genome position (GRCh38, 1-based): chr17:10,535,182, C>T on the plus strand (G>A on the coding strand, the complement: MYH2 is on the minus strand). VCF-style: chr17-10535182-C-T. GRCh37 (hg19) VCF-style: chr17-10438499-C-T.
Other names: c.2071G>A, p.Glu691Lys (NM_001100112.2); short protein forms E691K.
Identifiers: ClinVar variation 1003059 (VCV001003059.5), dbSNP rs972757672, ClinGen allele CA287743076.

ClinVar aggregate classification (germline): Uncertain significance (1 of 4 stars; one submission).

Conditions:
Myopathy, proximal, and ophthalmoplegia (CMYO6). Also called: INCLUSION BODY MYOPATHY 3, AUTOSOMAL DOMINANT; CONGENITAL MYOPATHY 6 WITH OPHTHALMOPLEGIA; MYOPATHY WITH CONGENITAL JOINT CONTRACTURES, OPHTHALMOPLEGIA, AND RIMMED VACUOLES. Identifiers: Orphanet 363677, Orphanet 79091, MedGen C1854106, MONDO:0011577, OMIM 605637.

Allele frequency attached by ClinVar (database versions not stated): gnomAD 0.00001; TOPMed 0.00001.
gnomAD v4.1: 2 of 1,614,022 alleles (0.00012%); highest among the groups gnomAD compares: African/African-American, 0.0027%; no homozygotes.

Submission:

Labcorp Genetics (formerly Invitae), Labcorp
Classification: Uncertain significance for Myopathy, proximal, and ophthalmoplegia. Last evaluated: 2022-07-19. Review status: criteria provided, single submitter. Criteria: Invitae Variant Classification Sherloc (09022015). Collection method: clinical testing. Allele origin: germline.
Comment: This sequence change replaces glutamic acid, which is acidic and polar, with lysine, which is basic and polar, at codon 691 of the MYH2 protein (p.Glu691Lys). In summary, the available evidence is currently insufficient to determine the role of this variant in disease. Therefore, it has been classified as a Variant of Uncertain Significance. Algorithms developed to predict the effect of missense changes on protein structure and function are either unavailable or do not agree on the potential impact of this missense change (SIFT: "Deleterious"; PolyPhen-2: "Benign"; Align-GVGD: "Class C15"). ClinVar contains an entry for this variant (Variation ID: 1003059). This variant has not been reported in the literature in individuals affected with MYH2-related conditions. This variant is not present in population databases (gnomAD no frequency).